The following is an entry in ClinVar:

NM_001379081.2(FREM1):c.4023C>G (p.Cys1341Trp)

Gene: FREM1 (FRAS1 related extracellular matrix 1; minus strand). Cytogenetic location: 9p22.3.
Variant type: single nucleotide variant.
Coding change: c.4023C>G on transcript NM_001379081.2 (MANE Select); coding-DNA position 4023, C replaced by G.
Protein change: p.Cys1341Trp; replaces cysteine 1341 with tryptophan.
Molecular consequence: missense variant. On other transcripts: non-coding transcript variant (1).
Genome position (GRCh38, 1-based): chr9:14,789,073, G>C on the plus strand (C>G on the coding strand, the complement: FREM1 is on the minus strand). VCF-style: chr9-14789073-G-C. GRCh37 (hg19) VCF-style: chr9-14789071-G-C.
Other names: c.4023C>G, p.Cys1341Trp (NM_144966.7); short protein forms C1341W.
Identifiers: ClinVar variation 912723 (VCV000912723.10), dbSNP rs200716268, ClinGen allele CA4990326.

ClinVar aggregate classification (germline): Uncertain significance. Review status: criteria provided, multiple submitters, no conflicts (2 of 4 stars). 5 submissions from 5 submitters: Uncertain significance (4). 1 of the submissions does not count toward it. Last evaluated 2024-11-07.

Conditions:
Oculotrichoanal syndrome (MOTA). Also called: MARLES SYNDROME; Manitoba Oculotrichoanal (MOTA) Syndrome. Identifiers: Orphanet 2717, MedGen C1855425, MONDO:0009560, OMIM 248450.
FREM1-related disorder. Also called: FREM1-related condition; FREM1-Related Disorders.

Allele frequency attached by ClinVar (database versions not stated): ESP Exome Variant Server 0.00041; gnomAD 0.00041 and 0.00047; TOPMed 0.00049; gnomAD exomes 0.00079; 1000 Genomes Project 0.00120; ExAC 0.00121; 1000 Genomes Project 30x 0.00125.
gnomAD v4.1: 1,055 of 1,604,950 alleles (0.066%); highest among the groups gnomAD compares: Middle Eastern, 0.38%; 2 homozygotes.

Submissions (5):

Blueprint Genetics
Classification: Uncertain significance. Last evaluated: 2024-11-07. Review status: criteria provided, single submitter. Criteria: ACMG Guidelines, 2015. Collection method: clinical testing. Allele origin: germline.

Labcorp Genetics (formerly Invitae), Labcorp
Classification: Uncertain significance. Last evaluated: 2024-01-15. Review status: criteria provided, single submitter. Criteria: Invitae Variant Classification Sherloc (09022015). Collection method: clinical testing. Allele origin: germline.
Comment: This sequence change replaces cysteine, which is neutral and slightly polar, with tryptophan, which is neutral and slightly polar, at codon 1341 of the FREM1 protein (p.Cys1341Trp). This variant is present in population databases (rs200716268, gnomAD 0.2%), and has an allele count higher than expected for a pathogenic variant. This variant has not been reported in the literature in individuals affected with FREM1-related conditions. ClinVar contains an entry for this variant (Variation ID: 912723). Advanced modeling of protein sequence and biophysical properties (such as structural, functional, and spatial information, amino acid conservation, physicochemical variation, residue mobility, and thermodynamic stability) performed at Invitae indicates that this missense variant is not expected to disrupt FREM1 protein function with a negative predictive value of 80%. In summary, the available evidence is currently insufficient to determine the role of this variant in disease. Therefore, it has been classified as a Variant of Uncertain Significance.

Illumina Laboratory Services, Illumina
Classification: Uncertain significance for Oculotrichoanal syndrome. Last evaluated: 2018-01-13. Review status: criteria provided, single submitter. Criteria: ICSL Variant Classification Criteria 13 December 2019. Collection method: clinical testing. Allele origin: germline.

Breakthrough Genomics
Classification: Uncertain significance. Review status: criteria provided, single submitter. Criteria: ACMG Guidelines, 2015. Collection method: not provided. Allele origin: germline. Inheritance: Autosomal recessive inheritance. Affected: yes.

PreventionGenetics, part of Exact Sciences
Classification: Uncertain significance for FREM1-related condition. Last evaluated: 2024-08-26. Review status: no assertion criteria provided. Collection method: clinical testing. Allele origin: germline. Not counted in ClinVar's aggregate classification.
Comment: The FREM1 c.4023C>G variant is predicted to result in the amino acid substitution p.Cys1341Trp. This variant was reported with two other FREM1 variants in an individual with craniosynostosis; however, pathogenicity was not established (Family #9, Alghamdi et al. 2021. PubMed ID: 33937142). This variant is reported in 0.20% of alleles in individuals of South Asian descent in gnomAD. At this time, the clinical significance of this variant is uncertain due to the absence of conclusive functional and genetic evidence.